The following is an entry in ClinVar:

ClinVar aggregate classification (germline): Uncertain significance (1 of 4 stars; one submission).

Submission:

Labcorp Genetics (formerly Invitae), Labcorp
Classification: Uncertain significance. Last evaluated: 2022-03-26. Review status: criteria provided, single submitter. Criteria: Invitae Variant Classification Sherloc (09022015). Collection method: clinical testing. Allele origin: germline.
Comment: In summary, the available evidence is currently insufficient to determine the role of this variant in disease. Therefore, it has been classified as a Variant of Uncertain Significance. Algorithms developed to predict the effect of missense changes on protein structure and function (SIFT, PolyPhen-2, Align-GVGD) all suggest that this variant is likely to be disruptive. This variant has not been reported in the literature in individuals affected with ADAMTSL4-related conditions. This variant is not present in population databases (gnomAD no frequency). This sequence change replaces serine, which is neutral and polar, with asparagine, which is neutral and polar, at codon 569 of the ADAMTSL4 protein (p.Ser569Asn).

NM_019032.6(ADAMTSL4):c.1706G>A (p.Ser569Asn)

Genes: ADAMTSL4 (ADAMTS like 4; plus strand), ADAMTSL4-AS2 (ADAMTSL4 antisense RNA 2; minus strand). Cytogenetic location: 1q21.2.
Variant type: single nucleotide variant.
Coding change: c.1706G>A on transcript NM_019032.6 (MANE Select); coding-DNA position 1706, G replaced by A.
Protein change: p.Ser569Asn; replaces serine 569 with asparagine.
Molecular consequence: missense variant.
Genome position (GRCh38, 1-based): chr1:150,556,750, G>A. VCF-style: chr1-150556750-G-A. GRCh37 (hg19) VCF-style: chr1-150529226-G-A.
Other names: c.1775G>A, p.Ser592Asn (NM_001288607.2, NM_001288608.2); c.1706G>A, p.Ser569Asn (NM_001378596.1, NM_025008.5); short protein forms S569N, S592N.
Identifiers: ClinVar variation 2117667 (VCV002117667.4), dbSNP rs2526710601, ClinGen allele CA342312824.